The following is an entry in ClinVar:

NM_021072.4(HCN1):c.157C>T (p.His53Tyr)

Gene: HCN1 (hyperpolarization activated cyclic nucleotide gated potassium channel 1; minus strand). Cytogenetic location: 5p12.
Variant type: single nucleotide variant.
Coding change: c.157C>T on transcript NM_021072.4 (MANE Select); coding-DNA position 157, C replaced by T.
Protein change: p.His53Tyr; replaces histidine 53 with tyrosine.
Molecular consequence: missense variant.
Genome position (GRCh38, 1-based): chr5:45,695,937, G>A on the plus strand (C>T on the coding strand, the complement: HCN1 is on the minus strand). VCF-style: chr5-45695937-G-A. GRCh37 (hg19) VCF-style: chr5-45696039-G-A.
Other names: short protein forms H53Y.
Identifiers: ClinVar variation 1775653 (VCV001775653.2), dbSNP rs1467006341, ClinGen allele CA359706631.

ClinVar aggregate classification (germline): Uncertain significance (1 of 4 stars; one submission).

Conditions:
Inborn genetic diseases. Identifiers: MedGen C0950123, MeSH D030342.

Allele frequency attached by ClinVar (database versions not stated): gnomAD 0.00001; TOPMed 0.00001.

Submission:

Ambry Genetics
Classification: Uncertain significance for Inborn genetic diseases. Last evaluated: 2018-08-17. Review status: criteria provided, single submitter. Criteria: Ambry Variant Classification Scheme 2023. Collection method: clinical testing. Allele origin: germline.
Comment: The p.H53Y variant (also known as c.157C>T), located in coding exon 1 of the HCN1 gene, results from a C to T substitution at nucleotide position 157. The histidine at codon 53 is replaced by tyrosine, an amino acid with similar properties. This amino acid position is not well conserved in available vertebrate species. In addition, the in silico prediction for this alteration is inconclusive. Since supporting evidence is limited at this time, the clinical significance of this alteration remains unclear.